The following is an entry in ClinVar:

NM_001184.4(ATR):c.607G>C (p.Glu203Gln)

Gene: ATR (ATR serine/threonine kinase; minus strand). Cytogenetic location: 3q23.
Variant type: single nucleotide variant.
Coding change: c.607G>C on transcript NM_001184.4 (MANE Select); coding-DNA position 607, G replaced by C.
Protein change: p.Glu203Gln; replaces glutamic acid 203 with glutamine.
Molecular consequence: missense variant.
Genome position (GRCh38, 1-based): chr3:142,562,795, C>G on the plus strand (G>C on the coding strand, the complement: ATR is on the minus strand). VCF-style: chr3-142562795-C-G. GRCh37 (hg19) VCF-style: chr3-142281637-C-G.
Other names: c.607G>C, p.Glu203Gln (NM_001354579.2); short protein forms E203Q.
Identifiers: ClinVar variation 3331076 (VCV003331076.1).

ClinVar aggregate classification (germline): Uncertain significance (1 of 4 stars; one submission).

Conditions:
Inborn genetic diseases. Identifiers: MedGen C0950123, MeSH D030342.

Submission:

Ambry Genetics
Classification: Uncertain significance for Inborn genetic diseases. Last evaluated: 2024-05-31. Review status: criteria provided, single submitter. Criteria: Ambry Variant Classification Scheme 2023. Collection method: clinical testing. Allele origin: germline.
Comment: The p.E203Q variant (also known as c.607G>C), located in coding exon 4 of the ATR gene, results from a G to C substitution at nucleotide position 607. The glutamic acid at codon 203 is replaced by glutamine, an amino acid with highly similar properties. This amino acid position is conserved. In addition, the in silico prediction for this alteration is inconclusive. Based on the available evidence, the clinical significance of this variant remains unclear.